The following is an entry in ClinVar:

NM_152424.4(AMER1):c.1385A>T (p.Glu462Val)

Gene: AMER1 (APC membrane recruitment protein 1; minus strand). Cytogenetic location: Xq11.2.
Variant type: single nucleotide variant.
Coding change: c.1385A>T on transcript NM_152424.4 (MANE Select); coding-DNA position 1385, A replaced by T.
Protein change: p.Glu462Val; replaces glutamic acid 462 with valine.
Molecular consequence: missense variant.
Genome position (GRCh38, 1-based): chrX:64,191,902, T>A on the plus strand (A>T on the coding strand, the complement: AMER1 is on the minus strand). VCF-style: chrX-64191902-T-A. GRCh37 (hg19) VCF-style: chrX-63411782-T-A.
Other names: short protein forms E462V.
Identifiers: ClinVar variation 4998816 (VCV004998816.1).
Genomic context (GRCh38, chrX:64,191,902, plus strand): 5'-TCATCCTCAAATCCAGGTGTGGTGGAGTCATAATAACCTTCATCACTATTGGGGGCGGAT[T>A]CTTGCTGGTCACTCTGAGGAGTCAAAAGTTCCCCAGGGGCTAGGCCAGGATAAGACCTAA-3'
Protein context (NP_689637.3, residues 452-472): ELLTPQSDQQ[Glu462Val]SAPNSDEGYY

ClinVar aggregate classification (germline): Uncertain significance (1 of 4 stars; one submission).

Conditions:
AMER1-related disorder. Also called: AMER1-related condition.

Submission:

PreventionGenetics, part of Exact Sciences
Classification: Uncertain significance for AMER1-related condition. Last evaluated: 2024-11-14. Review status: criteria provided, single submitter. Criteria: ACMG Guidelines, 2015. Collection method: clinical testing. Allele origin: germline.
Comment: The AMER1 c.1385A>T variant is predicted to result in the amino acid substitution p.Glu462Val. To our knowledge, this variant has not been reported in the literature or in a large population database (gnomAD), indicating this variant is rare. At this time, the clinical significance of this variant is uncertain due to the absence of conclusive functional and genetic evidence.